The following is an entry in ClinVar:

NM_006757.4(TNNT3):c.13G>A (p.Glu5Lys)

Gene: TNNT3 (troponin T3, fast skeletal type; plus strand). Cytogenetic location: 11p15.5.
Variant type: single nucleotide variant.
Coding change: c.13G>A on transcript NM_006757.4 (MANE Select); coding-DNA position 13, G replaced by A.
Protein change: p.Glu5Lys; replaces glutamic acid 5 with lysine.
Molecular consequence: missense variant. On other transcripts: 5 prime UTR variant (2).
Genome position (GRCh38, 1-based): chr11:1,922,887, G>A. VCF-style: chr11-1922887-G-A. GRCh37 (hg19) VCF-style: chr11-1944117-G-A.
Other names: c.13G>A, p.Glu5Lys (NM_001042780.3, NM_001042781.3, NM_001042782.3 and 11 more transcripts); c.-103G>A (NM_001367851.1); c.-121G>A (NM_001367852.1); short protein forms E5K.
Identifiers: ClinVar variation 1390336 (VCV001390336.9), dbSNP rs369991179, ClinGen allele CA5816030.

ClinVar aggregate classification (germline): Conflicting classifications of pathogenicity. Review status: criteria provided, conflicting classifications (1 of 4 stars). 2 submissions from 2 submitters: Uncertain significance (1); Likely benign (1). Last evaluated 2025-01-25.

gnomAD v4.1: 63 of 1,613,494 alleles (0.0039%); highest among the groups gnomAD compares: Non-Finnish European, 0.005%; no homozygotes.

Submissions (2):

Labcorp Genetics (formerly Invitae), Labcorp
Classification: Uncertain significance. Last evaluated: 2025-01-25. Review status: criteria provided, single submitter. Criteria: Invitae Variant Classification Sherloc (09022015). Collection method: clinical testing. Allele origin: germline.
Comment: This sequence change replaces glutamic acid, which is acidic and polar, with lysine, which is basic and polar, at codon 5 of the TNNT3 protein (p.Glu5Lys). This variant is present in population databases (rs369991179, gnomAD 0.007%). This variant has not been reported in the literature in individuals affected with TNNT3-related conditions. ClinVar contains an entry for this variant (Variation ID: 1390336). Experimental studies and prediction algorithms are not available or were not evaluated, and the functional significance of this variant is currently unknown. In summary, the available evidence is currently insufficient to determine the role of this variant in disease. Therefore, it has been classified as a Variant of Uncertain Significance.

Blueprint Genetics
Classification: Likely benign. Last evaluated: 2023-10-03. Review status: criteria provided, single submitter. Criteria: ACMG Guidelines, 2015. Collection method: clinical testing. Allele origin: germline.